The following is an entry in ClinVar:

NM_001458.5(FLNC):c.1975C>G (p.Leu659Val)

Gene: FLNC (filamin C; plus strand). Cytogenetic location: 7q32.1.
Variant type: single nucleotide variant.
Coding change: c.1975C>G on transcript NM_001458.5 (MANE Select); coding-DNA position 1975, C replaced by G.
Protein change: p.Leu659Val; replaces leucine 659 with valine.
Molecular consequence: missense variant.
Genome position (GRCh38, 1-based): chr7:128,841,331, C>G. VCF-style: chr7-128841331-C-G. GRCh37 (hg19) VCF-style: chr7-128481385-C-G.
Other names: c.1975C>G, p.Leu659Val (NM_001127487.2); short protein forms L659V.
Identifiers: ClinVar variation 1963477 (VCV001963477.5), dbSNP rs1203642232, ClinGen allele CA369227489.

ClinVar aggregate classification (germline): Uncertain significance (1 of 4 stars; one submission).

Conditions:
Myofibrillar myopathy 5. Also called: Filaminopathy (type); FILAMINOPATHY, AUTOSOMAL DOMINANT. Identifiers: Orphanet 171445, MedGen C1836050, MONDO:0012289, OMIM 609524.
Distal myopathy with posterior leg and anterior hand involvement. Also called: WILLIAMS DISTAL MYOPATHY. Identifiers: Orphanet 63273, MedGen C3279722, MONDO:0013550, OMIM 614065.
Hypertrophic cardiomyopathy 26. Also called: Cardiomyopathy, familial hypertrophic, 26. Identifiers: Orphanet 75249, MedGen C4310749, MONDO:0014883, OMIM 617047.

Allele frequency attached by ClinVar (database versions not stated): gnomAD 0.00001; TOPMed 0.00005.
gnomAD v4.1: 2 of 1,613,956 alleles (0.00012%); highest among the groups gnomAD compares: Admixed American, 0.0033%; no homozygotes.

Submission:

Labcorp Genetics (formerly Invitae), Labcorp
Classification: Uncertain significance for Distal myopathy with posterior leg and anterior hand involvement; Myofibrillar myopathy 5; Hypertrophic cardiomyopathy 26. Last evaluated: 2022-10-01. Review status: criteria provided, single submitter. Criteria: Invitae Variant Classification Sherloc (09022015). Collection method: clinical testing. Allele origin: germline.
Comment: Algorithms developed to predict the effect of missense changes on protein structure and function (SIFT, PolyPhen-2, Align-GVGD) all suggest that this variant is likely to be tolerated. This sequence change replaces leucine, which is neutral and non-polar, with valine, which is neutral and non-polar, at codon 659 of the FLNC protein (p.Leu659Val). This variant is not present in population databases (gnomAD no frequency). This variant has not been reported in the literature in individuals affected with FLNC-related conditions. In summary, the available evidence is currently insufficient to determine the role of this variant in disease. Therefore, it has been classified as a Variant of Uncertain Significance.